The following is an entry in ClinVar:

NM_004820.5(CYP7B1):c.77C>T (p.Ala26Val)

Gene: CYP7B1 (cytochrome P450 family 7 subfamily B member 1; minus strand). Cytogenetic location: 8q12.3.
Variant type: single nucleotide variant.
Coding change: c.77C>T on transcript NM_004820.5 (MANE Select); coding-DNA position 77, C replaced by T.
Protein change: p.Ala26Val; replaces alanine 26 with valine.
Molecular consequence: missense variant.
Genome position (GRCh38, 1-based): chr8:64,798,511, G>A on the plus strand (C>T on the coding strand, the complement: CYP7B1 is on the minus strand). VCF-style: chr8-64798511-G-A. GRCh37 (hg19) VCF-style: chr8-65711068-G-A.
Other names: c.77C>T (NM_004820.4); c.77C>T, p.Ala26Val (NM_001324112.2); short protein forms A26V.
Identifiers: ClinVar variation 458231 (VCV000458231.7), dbSNP rs754214163, ClinGen allele CA4764308.

ClinVar aggregate classification (germline): Uncertain significance. Review status: criteria provided, multiple submitters, no conflicts (2 of 4 stars). 2 submissions from 2 submitters: Uncertain significance (2). Last evaluated 2026-03-25.

Conditions:
CYP7B1-related disorder. Also called: CYP7B1-related condition.
Spastic paraplegia. Identifiers: MedGen C0037772, HP:0001258.

Allele frequency attached by ClinVar (database versions not stated): ExAC below 0.00001; gnomAD exomes 0.00001; TOPMed 0.00001.
gnomAD v4.1: 17 of 1,507,492 alleles (0.0011%); highest among the groups gnomAD compares: Non-Finnish European, 0.0015%; no homozygotes.

Submissions (2):

PreventionGenetics, part of Exact Sciences
Classification: Uncertain significance for CYP7B1-related condition. Last evaluated: 2026-03-25. Review status: criteria provided, single submitter. Criteria: ACMG Guidelines, 2015. Collection method: clinical testing. Allele origin: germline.
Comment: The CYP7B1 c.77C>T variant is predicted to result in the amino acid substitution p.Ala26Val. To our knowledge, this variant has not been reported in the literature. This variant is reported in 0.0026% of alleles in individuals of European (Non-Finnish) descent in gnomAD. At this time, the clinical significance of this variant is uncertain due to the absence of conclusive functional and genetic evidence.

Labcorp Genetics (formerly Invitae), Labcorp
Classification: Uncertain significance for Spastic paraplegia. Last evaluated: 2022-08-09. Review status: criteria provided, single submitter. Criteria: Invitae Variant Classification Sherloc (09022015). Collection method: clinical testing. Allele origin: germline.
Comment: This sequence change replaces alanine, which is neutral and non-polar, with valine, which is neutral and non-polar, at codon 26 of the CYP7B1 protein (p.Ala26Val). The frequency data for this variant in the population databases is considered unreliable, as metrics indicate poor data quality at this position in the gnomAD database. This variant has not been reported in the literature in individuals affected with CYP7B1-related conditions. ClinVar contains an entry for this variant (Variation ID: 458231). Algorithms developed to predict the effect of missense changes on protein structure and function output the following: SIFT: "Deleterious"; PolyPhen-2: "Possibly Damaging"; Align-GVGD: "Class C0". The valine amino acid residue is found in multiple mammalian species, which suggests that this missense change does not adversely affect protein function. In summary, the available evidence is currently insufficient to determine the role of this variant in disease. Therefore, it has been classified as a Variant of Uncertain Significance.